The following is an entry in ClinVar:

GRCh38/hg38 15q11.2(chr15:22572809-23174546)x1

Genes: CYFIP1 (cytoplasmic FMR1 interacting protein 1; minus strand), GOLGA6L1 (golgin A6 family like 1; minus strand), NIPA1 (NIPA magnesium transporter 1; plus strand), NIPA2 (NIPA magnesium transporter 2; plus strand), TUBGCP5 (tubulin gamma complex component 5; minus strand) and 16 more. Cytogenetic location: 15q11.2.
Variant type: copy number loss.
Change: copy number 1 (one copy instead of two) of chr15:22,572,809-23,174,546 (601.7 kb, GRCh38 coordinates, 1-based), cytogenetic band 15q11.2.
Other names: GRCh38/hg38 15q11.2(chr15:22572809-23066575)x1.
Identifiers: ClinVar variation 32067 (VCV000032067.4).

ClinVar aggregate classification (germline): Uncertain significance. Review status: criteria provided, single submitter (1 of 4 stars). 2 submissions from 1 submitter: Uncertain significance (1). 1 of the submissions does not count toward it. Last evaluated 2011-08-12.

Submissions (2):

ISCA site 4
Classification: Uncertain significance. Last evaluated: 2011-08-12. Review status: criteria provided, single submitter. Criteria: Kaminsky et al. (Genet Med. 2011). Collection method: clinical testing. Allele origin: unknown. Affected: yes. Observed: 3 variant alleles. Clinical features observed: Autism (HP:0000717), Global developmental delay (HP:0001263), Short stature (HP:0004322), Hearing impairment (HP:0000365), Abnormality of the skeletal system (HP:0000924), Hydrocephalus (HP:0000238).
Comment: Copy number variation identified through the course of routine clinical cytogenomic testing in postnatal populations. Clinical assertions have been curated as described in Kaminsky et al. 2011.

ISCA site 4
Classification: Benign. Last evaluated: 2010-05-27. Review status: flagged submission. Collection method: clinical testing. Allele origin: unknown. Affected: yes. Observed: 8 variant alleles. Clinical features observed: Hydrocephalus (HP:0000238), Developmental delay AND/OR other significant developmental or morphological phenotypes, Abnormal facial shape (HP:0002260), Abnormality of head or neck (HP:0000152), Autism (HP:0000717), Seizures (HP:0001275). Not counted in ClinVar's aggregate classification.
ClinVar note: Reason: This record appears to be redundant with a more recent record from the same submitter.
ClinVar note: Notes: SCV000175215 appears to be redundant with SCV000077829.